The following is an entry in ClinVar:

NM_001042492.3(NF1):c.5467T>A (p.Ser1823Thr)

Gene: NF1 (neurofibromin 1; plus strand). Cytogenetic location: 17q11.2.
Variant type: single nucleotide variant.
Coding change: c.5467T>A on transcript NM_001042492.3 (MANE Select); coding-DNA position 5467, T replaced by A.
Protein change: p.Ser1823Thr; replaces serine 1823 with threonine.
Molecular consequence: missense variant.
Genome position (GRCh38, 1-based): chr17:31,327,697, T>A. VCF-style: chr17-31327697-T-A. GRCh37 (hg19) VCF-style: chr17-29654715-T-A.
Other names: c.5404T>A, p.Ser1802Thr (NM_000267.4); short protein forms S1802T, S1823T.
Identifiers: ClinVar variation 3237832 (VCV003237832.1), dbSNP rs1555533592.

ClinVar aggregate classification (germline): Uncertain significance (1 of 4 stars; one submission).

Conditions:
Hereditary cancer-predisposing syndrome. Also called: Neoplastic Syndromes, Hereditary; Tumor predisposition; Hereditary neoplastic syndrome; Hereditary Cancer Syndrome. Identifiers: Orphanet 140162, MedGen C0027672, MeSH D009386, MONDO:0015356.
Cardiovascular phenotype. Identifiers: MedGen CN230736.

Submission:

Ambry Genetics
Classification: Uncertain significance for Cardiovascular phenotype; Hereditary cancer-predisposing syndrome. Last evaluated: 2023-09-18. Review status: criteria provided, single submitter. Criteria: Ambry Variant Classification Scheme 2023. Collection method: clinical testing. Allele origin: germline.
Comment: The p.S1802T variant (also known as c.5404T>A), located in coding exon 37 of the NF1 gene, results from a T to A substitution at nucleotide position 5404. The serine at codon 1802 is replaced by threonine, an amino acid with similar properties. This amino acid position is conserved. In addition, the in silico prediction for this alteration is inconclusive. Since supporting evidence is limited at this time, the clinical significance of this alteration remains unclear.